The following is an entry in ClinVar:

NM_000452.3(SLC10A2):c.364G>C (p.Asp122His)

Gene: SLC10A2 (solute carrier family 10 member 2; minus strand). Cytogenetic location: 13q33.1.
Variant type: single nucleotide variant.
Coding change: c.364G>C on transcript NM_000452.3 (MANE Select); coding-DNA position 364, G replaced by C.
Protein change: p.Asp122His; replaces aspartic acid 122 with histidine.
Molecular consequence: missense variant.
Genome position (GRCh38, 1-based): chr13:103,065,886, C>G on the plus strand (G>C on the coding strand, the complement: SLC10A2 is on the minus strand). VCF-style: chr13-103065886-C-G. GRCh37 (hg19) VCF-style: chr13-103718236-C-G.
Other names: short protein forms D122H.
Identifiers: ClinVar variation 4990446 (VCV004990446.1).

ClinVar aggregate classification (germline): Uncertain significance (1 of 4 stars; one submission).

Conditions:
SLC10A2-related disorder. Also called: SLC10A2-related condition.

Submission:

PreventionGenetics, part of Exact Sciences
Classification: Uncertain significance for SLC10A2-related condition. Last evaluated: 2026-03-07. Review status: criteria provided, single submitter. Criteria: ACMG Guidelines, 2015. Collection method: clinical testing. Allele origin: germline.
Comment: The SLC10A2 c.364G>C variant is predicted to result in the amino acid substitution p.Asp122His. To our knowledge, this variant has not been reported in the literature or in a large population database (gnomAD), indicating this variant is rare. At this time, the clinical significance of this variant is uncertain due to the absence of conclusive functional and genetic evidence.